The following is an entry in ClinVar:

ClinVar aggregate classification (germline): Uncertain significance. Review status: criteria provided, multiple submitters, no conflicts (2 of 4 stars). 2 submissions from 2 submitters: Uncertain significance (2). Last evaluated 2025-10-02.

Allele frequency attached by ClinVar (database versions not stated): TOPMed below 0.00001.

Submissions (2):

Dasa
Classification: Uncertain significance. Last evaluated: 2025-10-02. Review status: criteria provided, single submitter. Criteria: DASA Assertion Criteria. Collection method: clinical testing. Allele origin: germline.
Comment: NM_181458.4(PAX3):c.1348C>G (p.Pro450Ala) is a missense variant that results in the substitution of proline with alanine. This variant is rare in population databases. The currently available literature and clinical evidence are not sufficient to establish a definitive association between this variant and the reported condition. Therefore, this variant is classified as a variant of uncertain significance.

Labcorp Genetics (formerly Invitae), Labcorp
Classification: Uncertain significance. Last evaluated: 2024-01-02. Review status: criteria provided, single submitter. Criteria: Invitae Variant Classification Sherloc (09022015). Collection method: clinical testing. Allele origin: germline.
Comment: This sequence change replaces proline, which is neutral and non-polar, with alanine, which is neutral and non-polar, at codon 450 of the PAX3 protein (p.Pro450Ala). This variant is not present in population databases (gnomAD no frequency). This variant has not been reported in the literature in individuals affected with PAX3-related conditions. ClinVar contains an entry for this variant (Variation ID: 2168904). An algorithm developed to predict the effect of missense changes on protein structure and function (PolyPhen-2) suggests that this variant is likely to be tolerated. In summary, the available evidence is currently insufficient to determine the role of this variant in disease. Therefore, it has been classified as a Variant of Uncertain Significance.

NM_181458.4(PAX3):c.1348C>G (p.Pro450Ala)

Gene: PAX3 (paired box 3; minus strand). Cytogenetic location: 2q36.1.
Variant type: single nucleotide variant.
Coding change: c.1348C>G on transcript NM_181458.4 (MANE Select); coding-DNA position 1348, C replaced by G.
Protein change: p.Pro450Ala; replaces proline 450 with alanine.
Molecular consequence: missense variant. On other transcripts: intron variant (2).
Genome position (GRCh38, 1-based): chr2:222,202,016, G>C on the plus strand (C>G on the coding strand, the complement: PAX3 is on the minus strand). VCF-style: chr2-222202016-G-C. GRCh37 (hg19) VCF-style: chr2-223066735-G-C.
Other names: c.1345C>G, p.Pro449Ala (NM_001127366.3); c.1348C>G, p.Pro450Ala (NM_181457.4, NM_181459.4); c.1174-574C>G (NM_181460.4, NM_181461.4); short protein forms P449A, P450A.
Identifiers: ClinVar variation 2168904 (VCV002168904.6), dbSNP rs1691312085, ClinGen allele CA351115562.